The following is an entry in ClinVar:

NM_000053.4(ATP7B):c.1946+1del

Gene: ATP7B (ATPase copper transporting beta; minus strand). Cytogenetic location: 13q14.3.
Variant type: Deletion.
Coding change: c.1946+1del on transcript NM_000053.4 (MANE Select); the canonical splice donor site of the intron after coding-DNA position 1946, one base deleted (G; older notation c.1946+1delG).
Molecular consequence: splice donor variant. On other transcripts: intron variant (13).
Genome position (GRCh38, 1-based): chr13:51,961,836, C deleted on the plus strand (G on the coding strand, the reverse complement: ATP7B is on the minus strand). VCF-style (leftmost placement, unchanged base first): chr13-51961835-AC-A. GRCh37 (hg19) VCF-style: chr13-52535971-AC-A.
Other names: c.1869+3036del (NM_001406541.1, NM_001406531.1, NM_001406532.1 and 5 more transcripts); c.1946+1del (NM_001406527.1, NM_001406537.1, NM_001406521.1 and 16 more transcripts); c.1773+3036del (NM_001406543.1, NM_001406544.1); c.1613+1del (NM_001243182.2); c.1286-11675del (NM_001406548.1); c.1913+1del (NM_001406524.1, NM_001406514.1); c.1708-4229del (NM_001406547.1, NM_001406545.1); c.1850+1del (NM_001406518.1, NM_001406536.1, NM_001406530.1 and 1 more transcripts); and 1 more.
Identifiers: ClinVar variation 1066768 (VCV001066768.9), dbSNP rs1958764803, ClinGen allele CA956027427.

ClinVar aggregate classification (germline): Likely pathogenic (1 of 4 stars; one submission).

Conditions:
Wilson disease (WND). Also called: Wilson's disease. Identifiers: Orphanet 905, MedGen C0019202, MONDO:0010200, OMIM 277900. Disease mechanism: loss of function.

Allele frequency attached by ClinVar (database versions not stated): gnomAD 0.00001.

Submission:

Labcorp Genetics (formerly Invitae), Labcorp
Classification: Likely pathogenic for Wilson disease. Last evaluated: 2020-09-16. Review status: criteria provided, single submitter. Criteria: Invitae Variant Classification Sherloc (09022015). Collection method: clinical testing. Allele origin: germline.
Comment: In summary, the currently available evidence indicates that the variant is pathogenic, but additional data are needed to prove that conclusively. Therefore, this variant has been classified as Likely Pathogenic. Donor and acceptor splice site variants typically lead to a loss of protein function (PMID: 16199547), and loss-of-function variants in ATP7B are known to be pathogenic (PMID: 10441329, 16283883). Algorithms developed to predict the effect of sequence changes on RNA splicing suggest that this variant may disrupt the consensus splice site, but this prediction has not been confirmed by published transcriptional studies. Disruption of this splice site has been observed in individual(s) with Wilson disease (PMID: 23551039, 26782526). This variant is not present in population databases (ExAC no frequency). This sequence change affects a donor splice site in intron 6 of the ATP7B gene. It is expected to disrupt RNA splicing and likely results in an absent or disrupted protein product.

Literature cited by the submitters: PubMed 16199547; PubMed 10441329; PubMed 16283883; PubMed 23551039; PubMed 26782526.